The following is an entry in ClinVar:

ClinVar aggregate classification (germline): Uncertain significance (1 of 4 stars; one submission).

Conditions:
Neuroblastoma, susceptibility to, 3. Also called: ALK-Related Neuroblastic Tumor Susceptibility. Identifiers: Orphanet 635, MedGen C2751681, MONDO:0013083, OMIM 613014.

Submission:

Labcorp Genetics (formerly Invitae), Labcorp
Classification: Uncertain significance for Neuroblastoma, susceptibility to, 3. Last evaluated: 2024-04-13. Review status: criteria provided, single submitter. Criteria: Invitae Variant Classification Sherloc (09022015). Collection method: clinical testing. Allele origin: germline.
Comment: This sequence change falls in intron 6 of the ALK gene. It does not directly change the encoded amino acid sequence of the ALK protein. It affects a nucleotide within the consensus splice site. This variant is not present in population databases (gnomAD no frequency). This variant has not been reported in the literature in individuals affected with ALK-related conditions. Variants that disrupt the consensus splice site are a relatively common cause of aberrant splicing (PMID: 17576681, 9536098). Algorithms developed to predict the effect of sequence changes on RNA splicing suggest that this variant may disrupt the consensus splice site. In summary, the available evidence is currently insufficient to determine the role of this variant in disease. Therefore, it has been classified as a Variant of Uncertain Significance.

Literature cited by the submitters: PubMed 17576681; PubMed 9536098.

NM_004304.5(ALK):c.1414+4A>T

Gene: ALK (ALK receptor tyrosine kinase; minus strand). Cytogenetic location: 2p23.2.
Variant type: single nucleotide variant.
Coding change: c.1414+4A>T on transcript NM_004304.5 (MANE Select); 4 bases into the intron after coding-DNA position 1414, A replaced by T.
Molecular consequence: intron variant.
Genome position (GRCh38, 1-based): chr2:29,328,346, T>A on the plus strand (A>T on the coding strand, the complement: ALK is on the minus strand). VCF-style: chr2-29328346-T-A. GRCh37 (hg19) VCF-style: chr2-29551212-T-A.
Identifiers: ClinVar variation 3649741 (VCV003649741.2).
Genomic context (GRCh38, chr2:29,328,346, plus strand): 5'-GGGGACAACGGGGTTATGAGCATGGGCTGGGCTCAGGCAGGGTGGGGCAGCCCCATCTAC[T>A]CACGGCACATCTGGCTCTCATCTTCTCCCTGGGCACAGTCCTGGTGGAAGTCACAGGCCT-3'